The following is an entry in ClinVar:

NM_206933.4(USH2A):c.7087G>A (p.Val2363Ile)

Gene: USH2A (usherin; minus strand). Cytogenetic location: 1q41.
Variant type: single nucleotide variant.
Coding change: c.7087G>A on transcript NM_206933.4 (MANE Select); coding-DNA position 7087, G replaced by A.
Protein change: p.Val2363Ile; replaces valine 2363 with isoleucine.
Molecular consequence: missense variant.
Genome position (GRCh38, 1-based): chr1:215,965,350, C>T on the plus strand (G>A on the coding strand, the complement: USH2A is on the minus strand). VCF-style: chr1-215965350-C-T. GRCh37 (hg19) VCF-style: chr1-216138692-C-T.
Other names: short protein forms V2363I.
Identifiers: ClinVar variation 1900375 (VCV001900375.4), dbSNP rs781245911, ClinGen allele CA1394953.

ClinVar aggregate classification (germline): Uncertain significance. Review status: criteria provided, multiple submitters, no conflicts (2 of 4 stars). 3 submissions from 3 submitters: Uncertain significance (3). Last evaluated 2026-08-01.

Allele frequency attached by ClinVar (database versions not stated): TOPMed below 0.00001; ExAC 0.00001; gnomAD exomes 0.00001.
gnomAD v4.1: 14 of 1,613,784 alleles (0.00087%); highest among the groups gnomAD compares: African/African-American, 0.0067%; no homozygotes.

Submissions (3):

CeGaT Center for Human Genetics Tuebingen
Classification: Uncertain significance. Last evaluated: 2026-08-01. Review status: criteria provided, single submitter. Criteria: CeGaT Center For Human Genetics Tuebingen Variant Classification Criteria Version 2. Collection method: clinical testing. Allele origin: germline. Affected: yes. Observed: 1 variant allele.
Comment: USH2A: PM2, BP4

Blueprint Genetics
Classification: Uncertain significance. Last evaluated: 2024-09-13. Review status: criteria provided, single submitter. Criteria: ACMG Guidelines, 2015. Collection method: clinical testing. Allele origin: germline.

Labcorp Genetics (formerly Invitae), Labcorp
Classification: Uncertain significance. Last evaluated: 2022-03-24. Review status: criteria provided, single submitter. Criteria: Invitae Variant Classification Sherloc (09022015). Collection method: clinical testing. Allele origin: germline.
Comment: This sequence change replaces valine, which is neutral and non-polar, with isoleucine, which is neutral and non-polar, at codon 2363 of the USH2A protein (p.Val2363Ile). This variant is present in population databases (rs781245911, gnomAD 0.002%). This variant has not been reported in the literature in individuals affected with USH2A-related conditions. Algorithms developed to predict the effect of missense changes on protein structure and function output the following: SIFT: "Deleterious"; PolyPhen-2: "Benign"; Align-GVGD: "Class C25". The isoleucine amino acid residue is found in multiple mammalian species, which suggests that this missense change does not adversely affect protein function. In summary, the available evidence is currently insufficient to determine the role of this variant in disease. Therefore, it has been classified as a Variant of Uncertain Significance.